The following continues an entry in ClinVar:

NM_000492.3(CFTR):c.3718-2477C>T

ClinVar aggregate classification (germline): Pathogenic. Pathogenic (1).

Submissions 30 to 32 of 32:

Diagnostic Laboratory, Department of Genetics, University Medical Center Groningen
Classification: Pathogenic. Review status: no assertion criteria provided. Collection method: clinical testing. Allele origin: germline. Affected: yes. Study: VKGL Data-share Consensus. Not counted in ClinVar's aggregate classification.

GeneReviews
No classification provided. Condition: Cystic fibrosis. Review status: no classification provided. Collection method: literature only. Allele origin: unknown. Not counted in ClinVar's aggregate classification.

Joint Genome Diagnostic Labs from Nijmegen and Maastricht, Radboudumc and MUMC+
Classification: Likely pathogenic. Review status: no assertion criteria provided. Collection method: clinical testing. Allele origin: germline. Affected: yes. Study: VKGL Data-share Consensus. Not counted in ClinVar's aggregate classification.

Literature cited by the submitters: PMC 3110945 (cited by American College of Medical Genetics and Genomics  (ACMG)); PubMed 15371902 (cited by 3 submitters); PubMed 23974870 (cited by 6 submitters); PubMed 26631874 (cited by Labcorp Genetics (formerly Invitae), Labcorp); PubMed 7521937 (cited by 6 submitters); PubMed 21811577 (cited by Natera, Inc.); PubMed 31877800 (cited by Natera, Inc.); PubMed 12767731 (cited by 3 submitters); PubMed 29261177 (cited by Quest Diagnostics Nichols Institute San Juan Capistrano and AiLife Diagnostics); PubMed 28863137 (cited by Quest Diagnostics Nichols Institute San Juan Capistrano); PubMed 28603918 (cited by Quest Diagnostics Nichols Institute San Juan Capistrano); PubMed 18456578 (cited by Quest Diagnostics Nichols Institute San Juan Capistrano and AiLife Diagnostics); PubMed 24440181 (cited by Quest Diagnostics Nichols Institute San Juan Capistrano and AiLife Diagnostics); PubMed 7526685 (cited by Quest Diagnostics Nichols Institute San Juan Capistrano and AiLife Diagnostics); PubMed 8533846 (cited by Quest Diagnostics Nichols Institute San Juan Capistrano and Women's Health and Genetics/Laboratory Corporation of America, LabCorp); PubMed 15738290 (cited by 3 submitters); PubMed 32404922 (cited by Quest Diagnostics Nichols Institute San Juan Capistrano); PubMed 1384328 (cited by 3 submitters); PubMed 9259197 (cited by Quest Diagnostics Nichols Institute San Juan Capistrano); PubMed 31036917 (cited by AiLife Diagnostics); PubMed 10351951 (cited by AiLife Diagnostics); PubMed 9799593 (cited by AiLife Diagnostics); PubMed 9272738 (cited by AiLife Diagnostics); PubMed 34426522 (cited by AiLife Diagnostics); PubMed 22975760 (cited by AiLife Diagnostics); PubMed 9719631 (cited by AiLife Diagnostics and Sema4); PubMed 20923678 (cited by AiLife Diagnostics and Sema4); PubMed 22658665 (cited by AiLife Diagnostics); PubMed 11484207 (cited by AiLife Diagnostics); PubMed 32429104 (cited by AiLife Diagnostics); PubMed 7533604 (cited by AiLife Diagnostics); PubMed 19823873 (cited by AiLife Diagnostics); PubMed 15994263 (cited by Sema4); PubMed 26014425 (cited by Women's Health and Genetics/Laboratory Corporation of America, LabCorp); Highsmith, W. E., Jr. Personal Communication. 1991. Chapel Hill, N.C. (cited by OMIM); Highsmith, W. E., Burch, L. H., Boat, T. F., Boucher, R. C., Silverman, L. M., Knowles, M. R. Identification of a homozygous point mutation in intron 19 in an inbred CF patient with mild disease and normal sweat chloride: creation of an alternative splice site resulting in base-sequence insertion in CFTR coding region between exons 19 and 20. (Abstract) Pediat. Pulmonol. Suppl. 6: 22A, 1991. (cited by OMIM); PubMed 8100293 (cited by OMIM); PubMed 20301428 (cited by GeneReviews).